The following is an entry in ClinVar:

NM_001365951.3(KIF1B):c.2159C>G (p.Thr720Ser)

Gene: KIF1B (kinesin family member 1B; plus strand). Cytogenetic location: 1p36.22.
Variant type: single nucleotide variant.
Coding change: c.2159C>G on transcript NM_001365951.3 (MANE Select); coding-DNA position 2159, C replaced by G.
Protein change: p.Thr720Ser; replaces threonine 720 with serine.
Molecular consequence: missense variant.
Genome position (GRCh38, 1-based): chr1:10,320,086, C>G. VCF-style: chr1-10320086-C-G. GRCh37 (hg19) VCF-style: chr1-10380144-C-G.
Other names: c.2159C>G, p.Thr720Ser (NM_001365952.1); c.2021C>G, p.Thr674Ser (NM_015074.3); short protein forms T674S, T720S.
Identifiers: ClinVar variation 1784565 (VCV001784565.8), dbSNP rs41274468, ClinGen allele CA338332331.
Genomic context (GRCh38, chr1:10,320,086, plus strand): 5'-CCTTTCTTTTCATTCAGGACTATGAGAGTAAATTGCAGGCCTTGCAGAAGCAGGTTGAAA[C>G]CCGATCTCTGGCTGCAGAAACAACTGAAGAGGAGGAAGAAGAGGAAGAAGGTGAAATCTA-3'
Protein context (NP_001352880.1, residues 710-730): KLQALQKQVE[Thr720Ser]RSLAAETTEE

ClinVar aggregate classification (germline): Uncertain significance. Review status: criteria provided, multiple submitters, no conflicts (2 of 4 stars). 2 submissions from 2 submitters: Uncertain significance (2). Last evaluated 2025-12-15.

Conditions:
Charcot-Marie-Tooth disease type 2. Also called: Charcot-Marie-Tooth type 2. Identifiers: Orphanet 64746, MedGen C0270914, MONDO:0018993.

Submissions (2):

Ambry Genetics
Classification: Uncertain significance. Last evaluated: 2025-12-15. Review status: criteria provided, single submitter. Criteria: Ambry Variant Classification Scheme 2023. Collection method: clinical testing. Allele origin: germline.
Comment: The p.T674S variant (also known as c.2021C>G), located in coding exon 20 of the KIF1B gene, results from a C to G substitution at nucleotide position 2021. The threonine at codon 674 is replaced by serine, an amino acid with similar properties. This amino acid position is conserved. In addition, this alteration is predicted to be tolerated by in silico analysis. Since supporting evidence is limited at this time, the clinical significance of this alteration remains unclear.

Labcorp Genetics (formerly Invitae), Labcorp
Classification: Uncertain significance for Charcot-Marie-Tooth disease type 2. Last evaluated: 2022-02-20. Review status: criteria provided, single submitter. Criteria: Invitae Variant Classification Sherloc (09022015). Collection method: clinical testing. Allele origin: germline.
Comment: This variant is not present in population databases (gnomAD no frequency). This variant has not been reported in the literature in individuals affected with KIF1B-related conditions. Algorithms developed to predict the effect of missense changes on protein structure and function are either unavailable or do not agree on the potential impact of this missense change (SIFT: "Tolerated"; PolyPhen-2: "Probably Damaging"; Align-GVGD: "Class C0"). In summary, the available evidence is currently insufficient to determine the role of this variant in disease. Therefore, it has been classified as a Variant of Uncertain Significance. This sequence change replaces threonine, which is neutral and polar, with serine, which is neutral and polar, at codon 674 of the KIF1B protein (p.Thr674Ser).